The following is an entry in ClinVar:

NM_000038.6(APC):c.7295C>T (p.Ser2432Leu)

Gene: APC (APC regulator of Wnt signaling pathway; plus strand). Cytogenetic location: 5q22.2.
Variant type: single nucleotide variant.
Coding change: c.7295C>T on transcript NM_000038.6 (MANE Select); coding-DNA position 7295, C replaced by T.
Protein change: p.Ser2432Leu; replaces serine 2432 with leucine.
Molecular consequence: missense variant.
Genome position (GRCh38, 1-based): chr5:112,842,889, C>T. VCF-style: chr5-112842889-C-T. GRCh37 (hg19) VCF-style: chr5-112178586-C-T.
Other names: c.7295C>T, p.Ser2432Leu (NM_001127510.3, NM_001354895.2); c.7241C>T, p.Ser2414Leu (NM_001127511.3); c.7349C>T, p.Ser2450Leu (NM_001354896.2); c.7325C>T, p.Ser2442Leu (NM_001354897.2); c.7220C>T, p.Ser2407Leu (NM_001354898.2); c.7211C>T, p.Ser2404Leu (NM_001354899.2); c.7172C>T, p.Ser2391Leu (NM_001354900.2); c.7118C>T, p.Ser2373Leu (NM_001354901.2); and 5 more; short protein forms S2149L, S2272L, S2306L, S2331L, S2341L, S2373L, S2391L, S2404L.
Identifiers: ClinVar variation 1052681 (VCV001052681.14), dbSNP rs1580680919, ClinGen allele CA16037220.

ClinVar aggregate classification (germline): Uncertain significance. Review status: criteria provided, multiple submitters, no conflicts (2 of 4 stars). 3 submissions from 3 submitters: Uncertain significance (3). Last evaluated 2025-07-18.

Conditions:
Hereditary cancer-predisposing syndrome. Also called: Tumor predisposition; Hereditary neoplastic syndrome; Hereditary Cancer Syndrome; Neoplastic Syndromes, Hereditary. Identifiers: Orphanet 140162, MedGen C0027672, MeSH D009386, MONDO:0015356.
Familial adenomatous polyposis 1 (FAP1). Also called: POLYPOSIS, ADENOMATOUS INTESTINAL; FAMILIAL ADENOMATOUS POLYPOSIS 1, ATTENUATED. Identifiers: MedGen C2713442, MONDO:0021056, OMIM 175100. Disease mechanism: loss of function.

Submissions (3):

Ambry Genetics
Classification: Uncertain significance for Hereditary cancer-predisposing syndrome. Last evaluated: 2025-07-18. Review status: criteria provided, single submitter. Criteria: Ambry Variant Classification Scheme 2023. Collection method: clinical testing. Allele origin: germline.
Comment: The p.S2432L variant (also known as c.7295C>T), located in coding exon 15 of the APC gene, results from a C to T substitution at nucleotide position 7295. The serine at codon 2432 is replaced by leucine, an amino acid with dissimilar properties. This amino acid position is highly conserved in available vertebrate species. In addition, in silico predictors for this gene do not accurately predict pathogenicity. Missense alterations in APC are not a common cause of disease (Spier I et al. Genet Med. 2024 Feb;26(2):100992). Based on the available evidence, the clinical significance of this variant remains unclear.

Women's Health and Genetics/Laboratory Corporation of America, LabCorp
Classification: Uncertain significance. Last evaluated: 2024-10-07. Review status: criteria provided, single submitter. Criteria: LabCorp Variant Classification Summary - May 2015. Collection method: clinical testing. Allele origin: germline.

Labcorp Genetics (formerly Invitae), Labcorp
Classification: Uncertain significance for Familial adenomatous polyposis 1. Last evaluated: 2024-08-27. Review status: criteria provided, single submitter. Criteria: Invitae Variant Classification Sherloc (09022015). Collection method: clinical testing. Allele origin: germline.
Comment: This sequence change replaces serine, which is neutral and polar, with leucine, which is neutral and non-polar, at codon 2432 of the APC protein (p.Ser2432Leu). This variant is not present in population databases (gnomAD no frequency). This variant has not been reported in the literature in individuals affected with APC-related conditions. ClinVar contains an entry for this variant (Variation ID: 1052681). Invitae Evidence Modeling of protein sequence and biophysical properties (such as structural, functional, and spatial information, amino acid conservation, physicochemical variation, residue mobility, and thermodynamic stability) indicates that this missense variant is not expected to disrupt APC protein function with a negative predictive value of 95%. In summary, the available evidence is currently insufficient to determine the role of this variant in disease. Therefore, it has been classified as a Variant of Uncertain Significance.